The following is an entry in ClinVar:

ClinVar aggregate classification (germline): Pathogenic/Likely pathogenic. Review status: criteria provided, multiple submitters, no conflicts (2 of 4 stars). 2 submissions from 2 submitters: Pathogenic (1); Likely pathogenic (1). Last evaluated 2023-02-23.

Conditions:
Epidermolysis bullosa dystrophica. Also called: Dystrophic epidermolysis bullosa, Hallopeau-Siemens type (formerly); Dystrophic epidermolysis bullosa. Identifiers: Orphanet 303, MedGen C0079294, MONDO:0006543.

gnomAD v4.1: 1 of 1,607,210 alleles (0.000062%); no homozygotes.

Submissions (2):

Labcorp Genetics (formerly Invitae), Labcorp
Classification: Likely pathogenic. Last evaluated: 2023-02-23. Review status: criteria provided, single submitter. Criteria: Invitae Variant Classification Sherloc (09022015). Collection method: clinical testing. Allele origin: germline.
Comment: In summary, the currently available evidence indicates that the variant is pathogenic, but additional data are needed to prove that conclusively. Therefore, this variant has been classified as Likely Pathogenic. Algorithms developed to predict the effect of sequence changes on RNA splicing suggest that this variant may disrupt the consensus splice site. ClinVar contains an entry for this variant (Variation ID: 1048034). This variant has not been reported in the literature in individuals affected with COL7A1-related conditions. This variant is not present in population databases (gnomAD no frequency). This sequence change affects a donor splice site in intron 36 of the COL7A1 gene. It is expected to disrupt RNA splicing. Variants that disrupt the donor or acceptor splice site typically lead to a loss of protein function (PMID: 16199547), and loss-of-function variants in COL7A1 are known to be pathogenic (PMID: 16971478).

Biomedical Innovation Departament, CIEMAT
Classification: Pathogenic for Dystrophic epidermolysis bullosa. Last evaluated: 2018-11-23. Review status: criteria provided, single submitter. Criteria: ACMG Guidelines, 2015. Collection method: research. Allele origin: germline. Affected: yes. Observed: 1 variant allele.

Literature cited by the submitters: PubMed 16199547 (cited by Labcorp Genetics (formerly Invitae), Labcorp); PubMed 16971478 (cited by Labcorp Genetics (formerly Invitae), Labcorp).

NM_000094.4(COL7A1):c.4197+1G>T

Gene: COL7A1 (collagen type VII alpha 1 chain; minus strand). Cytogenetic location: 3p21.31.
Variant type: single nucleotide variant.
Coding change: c.4197+1G>T on transcript NM_000094.4 (MANE Select); the canonical splice donor site of the intron after coding-DNA position 4197, G replaced by T.
Molecular consequence: splice donor variant.
Genome position (GRCh38, 1-based): chr3:48,584,297, C>A on the plus strand (G>T on the coding strand, the complement: COL7A1 is on the minus strand). VCF-style: chr3-48584297-C-A. GRCh37 (hg19) VCF-style: chr3-48621730-C-A.
Identifiers: ClinVar variation 1048034 (VCV001048034.4), dbSNP rs1401166141, ClinGen allele CA352694872.